The following is an entry in ClinVar:

ClinVar aggregate classification (germline): Uncertain significance (1 of 4 stars; one submission).

Conditions:
Cohen syndrome (COH1). Also called: PEPPER SYNDROME; Cutis verticis gyrata, retinitis pigmentosa, and sensorineural deafness. Identifiers: Orphanet 193, MedGen C0265223, MONDO:0008999, OMIM 216550.

gnomAD v4.1: 2 of 1,611,412 alleles (0.00012%); highest among the groups gnomAD compares: East Asian, 0.0045%; no homozygotes.

Submission:

Labcorp Genetics (formerly Invitae), Labcorp
Classification: Uncertain significance for Cohen syndrome. Last evaluated: 2022-04-18. Review status: criteria provided, single submitter. Criteria: Invitae Variant Classification Sherloc (09022015). Collection method: clinical testing. Allele origin: germline.
Comment: This sequence change falls in intron 57 of the VPS13B gene. It does not directly change the encoded amino acid sequence of the VPS13B protein. It affects a nucleotide within the consensus splice site. This variant is present in population databases (rs764708878, gnomAD 0.01%). This variant has not been reported in the literature in individuals affected with VPS13B-related conditions. Variants that disrupt the consensus splice site are a relatively common cause of aberrant splicing (PMID: 17576681, 9536098). Algorithms developed to predict the effect of sequence changes on RNA splicing suggest that this variant is not likely to affect RNA splicing. In summary, the available evidence is currently insufficient to determine the role of this variant in disease. Therefore, it has been classified as a Variant of Uncertain Significance.

Literature cited by the submitters: PubMed 17576681; PubMed 9536098.

NM_152564.5(VPS13B):c.11044+5C>G

Gene: VPS13B (vacuolar protein sorting 13 homolog B; plus strand). Cytogenetic location: 8q22.2.
Variant type: single nucleotide variant.
Coding change: c.11044+5C>G on transcript NM_152564.5 (MANE Select); 5 bases into the intron after coding-DNA position 11044, C replaced by G.
Molecular consequence: intron variant.
Genome position (GRCh38, 1-based): chr8:99,859,485, C>G. VCF-style: chr8-99859485-C-G. GRCh37 (hg19) VCF-style: chr8-100871713-C-G.
Other names: c.11119+5C>G (NM_017890.5).
Identifiers: ClinVar variation 2151098 (VCV002151098.1), dbSNP rs764708878, ClinGen allele CA4825103.